The following is an entry in ClinVar:

ClinVar aggregate classification (germline): Uncertain significance (1 of 4 stars; one submission).

Conditions:
Andersen Tawil syndrome (LQT7). Also called: Potassium-sensitive periodic paralysis, ventricular ectopy, and dysmorphic features; ANDERSEN CARDIODYSRHYTHMIC PERIODIC PARALYSIS; LONG QT SYNDROME 7; PERIODIC PARALYSIS, POTASSIUM-SENSITIVE CARDIODYSRHYTHMIC TYPE; Andersen Syndrome. Identifiers: Orphanet 37553, MedGen C1563715, MONDO:0008222, OMIM 170390.
Short QT syndrome type 3. Identifiers: Orphanet 51083, MedGen C1865018, MONDO:0012314, OMIM 609622.

gnomAD v4.1: 2 of 1,613,910 alleles (0.00012%); highest among the groups gnomAD compares: Admixed American, 0.0017%; no homozygotes.

Submission:

Labcorp Genetics (formerly Invitae), Labcorp
Classification: Uncertain significance for Short QT syndrome type 3; Andersen Tawil syndrome. Last evaluated: 2025-04-09. Review status: criteria provided, single submitter. Criteria: Invitae Variant Classification Sherloc (09022015). Collection method: clinical testing. Allele origin: germline.
Comment: This sequence change replaces arginine, which is basic and polar, with glutamine, which is neutral and polar, at codon 422 of the KCNJ2 protein (p.Arg422Gln). This variant is present in population databases (rs199473390, gnomAD 0.003%). This variant has not been reported in the literature in individuals affected with KCNJ2-related conditions. ClinVar contains an entry for this variant (Variation ID: 2928255). Invitae Evidence Modeling of protein sequence and biophysical properties (such as structural, functional, and spatial information, amino acid conservation, physicochemical variation, residue mobility, and thermodynamic stability) has been performed for this missense variant. However, the output from this modeling did not meet the statistical confidence thresholds required to predict the impact of this variant on KCNJ2 protein function. In summary, the available evidence is currently insufficient to determine the role of this variant in disease. Therefore, it has been classified as a Variant of Uncertain Significance.

NM_000891.3(KCNJ2):c.1265G>A (p.Arg422Gln)

Gene: KCNJ2 (potassium inwardly rectifying channel subfamily J member 2; plus strand). Cytogenetic location: 17q24.3.
Variant type: single nucleotide variant.
Coding change: c.1265G>A on transcript NM_000891.3 (MANE Select); coding-DNA position 1265, G replaced by A.
Protein change: p.Arg422Gln; replaces arginine 422 with glutamine.
Molecular consequence: missense variant.
Genome position (GRCh38, 1-based): chr17:70,176,304, G>A. VCF-style: chr17-70176304-G-A. GRCh37 (hg19) VCF-style: chr17-68172445-G-A.
Other names: short protein forms R422Q.
Identifiers: ClinVar variation 2928255 (VCV002928255.3), dbSNP rs199473390, ClinGen allele CA8738817.